The following is an entry in ClinVar:

ClinVar aggregate classification (germline): Uncertain significance (1 of 4 stars; one submission).

Conditions:
Catecholaminergic polymorphic ventricular tachycardia 1. Also called: RYR2-Related Catecholaminergic Polymorphic Ventricular Tachycardia; VENTRICULAR TACHYCARDIA, CATECHOLAMINERGIC POLYMORPHIC, 1, WITH OR WITHOUT ATRIAL DYSFUNCTION AND/OR DILATED CARDIOMYOPATHY; VENTRICULAR TACHYCARDIA, STRESS-INDUCED POLYMORPHIC 1. Identifiers: Orphanet 3286, MedGen C1631597, MONDO:0011484, OMIM 604772.

Submission:

Labcorp Genetics (formerly Invitae), Labcorp
Classification: Uncertain significance for Catecholaminergic polymorphic ventricular tachycardia 1. Last evaluated: 2022-07-14. Review status: criteria provided, single submitter. Criteria: Invitae Variant Classification Sherloc (09022015). Collection method: clinical testing. Allele origin: germline.
Comment: In summary, the available evidence is currently insufficient to determine the role of this variant in disease. Therefore, it has been classified as a Variant of Uncertain Significance. Experimental studies and prediction algorithms are not available or were not evaluated, and the functional significance of this variant is currently unknown. This variant has not been reported in the literature in individuals affected with RYR2-related conditions. This variant is not present in population databases (gnomAD no frequency). This sequence change creates a premature translational stop signal (p.Asp4956Glufs*4) in the RYR2 gene. While this is not anticipated to result in nonsense mediated decay, it is expected to disrupt the last 12 amino acid(s) of the RYR2 protein.

NM_001035.3(RYR2):c.14868_14878del (p.Asp4956fs)

Gene: RYR2 (ryanodine receptor 2; plus strand). Cytogenetic location: 1q43.
Variant type: Deletion.
Coding change: c.14868_14878del on transcript NM_001035.3 (MANE Select); coding-DNA positions 14868 to 14878, 11 bases deleted (TTGCTTCCGGA).
Protein change: p.Asp4956fs; shifts the reading frame from aspartic acid 4956.
Molecular consequence: frameshift variant.
Genome position (GRCh38, 1-based): chr1:237,832,611-237,832,621, TTGCTTCCGGA deleted; deleting any 11 consecutive bases within chr1:237,832,608-237,832,621 gives the same sequence; the c. name uses the placement nearest the transcript's 3' end. VCF-style (leftmost placement, unchanged base first): chr1-237832607-GGGATTGCTTCC-G. GRCh37 (hg19) VCF-style: chr1-237995907-GGGATTGCTTCC-G.
Other names: short protein forms D4956fs.
Identifiers: ClinVar variation 2017172 (VCV002017172.4), dbSNP rs2528507138, ClinGen allele CA2580062454.
Genomic context (GRCh38, chr1:237,832,607, plus strand): 5'-TGCAGGAATCTTATGTCTGGAAGATGTATCAAGAAAGGTGTTGGGAATTTTTCCCAGCAG[GGGATTGCTTCC>G]GGAAACAGTATGAAGACCAGCTAAATTAAACTCAGACCCAATCACCTCTAAAAACCAAAA-3'